The following is an entry in ClinVar:

NM_006348.5(COG5):c.707A>G (p.Tyr236Cys)

Gene: COG5 (component of oligomeric golgi complex 5; minus strand). Cytogenetic location: 7q22.3.
Variant type: single nucleotide variant.
Coding change: c.707A>G on transcript NM_006348.5 (MANE Select); coding-DNA position 707, A replaced by G.
Protein change: p.Tyr236Cys; replaces tyrosine 236 with cysteine.
Molecular consequence: missense variant. On other transcripts: intron variant (2).
Genome position (GRCh38, 1-based): chr7:107,372,723, T>C on the plus strand (A>G on the coding strand, the complement: COG5 is on the minus strand). VCF-style: chr7-107372723-T-C. GRCh37 (hg19) VCF-style: chr7-107013168-T-C.
Other names: c.707A>G, p.Tyr236Cys (NM_001161520.2, NM_001379511.1, NM_001379512.1 and 3 more transcripts); c.235-10613A>G (NM_001379516.1); c.539-74377A>G (NM_001379515.1); short protein forms Y236C.
Identifiers: ClinVar variation 1009376 (VCV001009376.5), dbSNP rs777624889, ClinGen allele CA4431126.
Genomic context (GRCh38, chr7:107,372,723, plus strand): 5'-AAAGTAGCACAATATCCATCCACAACACTGGTAATAGTATCCTTCAAAGTTCCAAGATTA[T>C]AGAAAACCTGAAGAGCTGTTCCGACTTGAGTTGGATTCTTAAAAAAAGGTGGGGTGGGGT-3'
Protein context (NP_006339.4, residues 226-246): TQVGTALQVF[Tyr236Cys]NLGTLKDTIT

ClinVar aggregate classification (germline): Uncertain significance (1 of 4 stars; one submission).

Conditions:
COG5-congenital disorder of glycosylation. Also called: CDG IIi; CONGENITAL DISORDER OF GLYCOSYLATION, TYPE IIi; COG5-CDG. Identifiers: Orphanet 263487, MedGen C3150876, MONDO:0013325, OMIM 613612.

Allele frequency attached by ClinVar (database versions not stated): gnomAD 0.00001 and 0.00002; gnomAD exomes 0.00001; ExAC 0.00002.
gnomAD v4.1: 12 of 1,613,550 alleles (0.00074%); highest among the groups gnomAD compares: African/African-American, 0.004%; no homozygotes.

Submission:

Labcorp Genetics (formerly Invitae), Labcorp
Classification: Uncertain significance for COG5-congenital disorder of glycosylation. Last evaluated: 2022-11-29. Review status: criteria provided, single submitter. Criteria: Invitae Variant Classification Sherloc (09022015). Collection method: clinical testing. Allele origin: germline.
Comment: This variant is present in population databases (rs777624889, gnomAD 0.007%). In summary, the available evidence is currently insufficient to determine the role of this variant in disease. Therefore, it has been classified as a Variant of Uncertain Significance. Advanced modeling of protein sequence and biophysical properties (such as structural, functional, and spatial information, amino acid conservation, physicochemical variation, residue mobility, and thermodynamic stability) performed at Invitae indicates that this missense variant is not expected to disrupt COG5 protein function. ClinVar contains an entry for this variant (Variation ID: 1009376). This variant has not been reported in the literature in individuals affected with COG5-related conditions. This sequence change replaces tyrosine, which is neutral and polar, with cysteine, which is neutral and slightly polar, at codon 267 of the COG5 protein (p.Tyr267Cys).